The following is an entry in ClinVar:

NM_022828.5(YTHDC2):c.1065C>G (p.Leu355=)

Gene: YTHDC2 (YTH N6-methyladenosine RNA binding protein C2; plus strand). Cytogenetic location: 5q22.2.
Variant type: single nucleotide variant.
Coding change: c.1065C>G on transcript NM_022828.5 (MANE Select); coding-DNA position 1065, C replaced by G.
Protein change: p.Leu355=; no amino-acid change (leucine 355 retained).
Molecular consequence: synonymous variant.
Genome position (GRCh38, 1-based): chr5:113,535,761, C>G. VCF-style: chr5-113535761-C-G. GRCh37 (hg19) VCF-style: chr5-112871458-C-G.
Other names: c.579C>G, p.Leu193= (NM_001345975.2); c.165C>G, p.Leu55= (NM_001345976.2); c.1065C>G (NM_022828.4).
Identifiers: ClinVar variation 708427 (VCV000708427.5), dbSNP rs77052070, ClinGen allele CA3371663.

ClinVar aggregate classification (germline): Benign. Review status: criteria provided, single submitter (1 of 4 stars). 2 submissions from 2 submitters: Benign (1). 1 of the submissions does not count toward it. Last evaluated 2018-05-08.

Conditions:
YTHDC2-related disorder. Also called: YTHDC2-related condition.

Allele frequency attached by ClinVar (database versions not stated): gnomAD exomes 0.00338; ExAC 0.00428; 1000 Genomes Project 0.01258; gnomAD 0.01308 and 0.01408; TOPMed 0.01392; 1000 Genomes Project 30x 0.01437; ESP Exome Variant Server 0.01646.
gnomAD v4.1: 3,743 of 1,612,158 alleles (0.23%); highest among the groups gnomAD compares: African/African-American, 4.5%; 91 homozygotes.

Submissions (2):

Labcorp Genetics (formerly Invitae), Labcorp
Classification: Benign. Last evaluated: 2018-05-08. Review status: criteria provided, single submitter. Criteria: Invitae Variant Classification Sherloc (09022015). Collection method: clinical testing. Allele origin: germline.

PreventionGenetics, part of Exact Sciences
Classification: Benign for YTHDC2-related condition. Last evaluated: 2019-04-04. Review status: no assertion criteria provided. Collection method: clinical testing. Allele origin: germline. Not counted in ClinVar's aggregate classification.
Comment: This variant is classified as benign based on ACMG/AMP sequence variant interpretation guidelines (Richards et al. 2015 PMID: 25741868, with internal and published modifications).